The following is an entry in ClinVar:

ClinVar aggregate classification (germline): Likely benign. Review status: criteria provided, multiple submitters, no conflicts (2 of 4 stars). 2 submissions from 2 submitters: Likely benign (2). Last evaluated 2025-05-01.

Conditions:
Inborn genetic diseases. Identifiers: MedGen C0950123, MeSH D030342.

Allele frequency attached by ClinVar (database versions not stated): TOPMed 0.00001; gnomAD 0.00003; gnomAD exomes 0.00005; ESP Exome Variant Server 0.00008; ExAC 0.00011.
gnomAD v4.1: 78 of 1,608,126 alleles (0.0049%); highest among the groups gnomAD compares: South Asian, 0.046%; 1 homozygote.

Submissions (2):

CeGaT Center for Human Genetics Tuebingen
Classification: Likely benign. Last evaluated: 2025-05-01. Review status: criteria provided, single submitter. Criteria: CeGaT Center For Human Genetics Tuebingen Variant Classification Criteria Version 2. Collection method: clinical testing. Allele origin: germline. Affected: yes. Observed: 1 variant allele.
Comment: CTCF: BP4, BP7

Ambry Genetics
Classification: Likely benign for Inborn genetic diseases. Last evaluated: 2018-06-12. Review status: criteria provided, single submitter. Criteria: Ambry Variant Classification Scheme 2023. Collection method: clinical testing. Allele origin: germline.

NM_006565.4(CTCF):c.165C>T (p.Asn55=)

Gene: CTCF (CCCTC-binding factor; plus strand). Cytogenetic location: 16q22.1.
Variant type: single nucleotide variant.
Coding change: c.165C>T on transcript NM_006565.4 (MANE Select); coding-DNA position 165, C replaced by T.
Protein change: p.Asn55=; no amino-acid change (asparagine 55 retained).
Molecular consequence: synonymous variant. On other transcripts: intron variant (1).
Genome position (GRCh38, 1-based): chr16:67,610,997, C>T. VCF-style: chr16-67610997-C-T. GRCh37 (hg19) VCF-style: chr16-67644900-C-T.
Other names: c.165C>T, p.Asn55= (NM_001363916.2); c.-32-5748C>T (NM_001191022.2).
Identifiers: ClinVar variation 1777445 (VCV001777445.12), dbSNP rs149456343, ClinGen allele CA8112481.